The following is an entry in ClinVar:

NM_020461.4(TUBGCP6):c.410A>G (p.Lys137Arg)

Gene: TUBGCP6 (tubulin gamma complex component 6; minus strand). Cytogenetic location: 22q13.33.
Variant type: single nucleotide variant.
Coding change: c.410A>G on transcript NM_020461.4 (MANE Select); coding-DNA position 410, A replaced by G.
Protein change: p.Lys137Arg; replaces lysine 137 with arginine.
Molecular consequence: missense variant.
Genome position (GRCh38, 1-based): chr22:50,244,050, T>C on the plus strand (A>G on the coding strand, the complement: TUBGCP6 is on the minus strand). VCF-style: chr22-50244050-T-C. GRCh37 (hg19) VCF-style: chr22-50682479-T-C.
Other names: short protein forms K137R.
Identifiers: ClinVar variation 1434238 (VCV001434238.6), dbSNP rs1413316301, ClinGen allele CA412115462.

ClinVar aggregate classification (germline): Uncertain significance (1 of 4 stars; one submission).

Allele frequency attached by ClinVar (database versions not stated): gnomAD 0.00001; gnomAD exomes 0.00001; TOPMed 0.00001.
gnomAD v4.1: 13 of 1,613,930 alleles (0.00081%); highest among the groups gnomAD compares: South Asian, 0.0011%; no homozygotes.

Submission:

Labcorp Genetics (formerly Invitae), Labcorp
Classification: Uncertain significance. Last evaluated: 2025-04-28. Review status: criteria provided, single submitter. Criteria: Invitae Variant Classification Sherloc (09022015). Collection method: clinical testing. Allele origin: germline.
Comment: This sequence change replaces lysine, which is basic and polar, with arginine, which is basic and polar, at codon 137 of the TUBGCP6 protein (p.Lys137Arg). This variant is present in population databases (no rsID available, gnomAD 0.002%). This variant has not been reported in the literature in individuals affected with TUBGCP6-related conditions. ClinVar contains an entry for this variant (Variation ID: 1434238). An algorithm developed to predict the effect of missense changes on protein structure and function outputs the following: PolyPhen-2: "Benign". The arginine amino acid residue is found in multiple mammalian species, which suggests that this missense change does not adversely affect protein function. In summary, the available evidence is currently insufficient to determine the role of this variant in disease. Therefore, it has been classified as a Variant of Uncertain Significance.